The following is an entry in ClinVar:

ClinVar aggregate classification (germline): Uncertain significance (1 of 4 stars; one submission).

Allele frequency attached by ClinVar (database versions not stated): gnomAD exomes below 0.00001; TOPMed below 0.00001.
gnomAD v4.1: 3 of 1,614,228 alleles (0.00019%); highest among the groups gnomAD compares: Non-Finnish European, 0.00025%; no homozygotes.

Submission:

GeneDx
Classification: Uncertain significance. Last evaluated: 2019-12-30. Review status: criteria provided, single submitter. Criteria: GeneDx Variant Classification Process June 2021. Collection method: clinical testing. Allele origin: germline. Affected: yes.
Comment: Not observed in large population cohorts (Lek et al., 2016); In silico analysis, which includes protein predictors and evolutionary conservation, supports that this variant does not alter protein structure/function; Has not been previously published as pathogenic or benign to our knowledge

NM_007118.4(TRIO):c.8444A>G (p.Gln2815Arg)

Gene: TRIO (trio Rho guanine nucleotide exchange factor; plus strand). Cytogenetic location: 5p15.2.
Variant type: single nucleotide variant.
Coding change: c.8444A>G on transcript NM_007118.4 (MANE Select); coding-DNA position 8444, A replaced by G.
Protein change: p.Gln2815Arg; replaces glutamine 2815 with arginine.
Molecular consequence: missense variant. On other transcripts: non-coding transcript variant (1).
Genome position (GRCh38, 1-based): chr5:14,504,425, A>G. VCF-style: chr5-14504425-A-G. GRCh37 (hg19) VCF-style: chr5-14504534-A-G.
Other names: short protein forms Q2815R.
Identifiers: ClinVar variation 1311418 (VCV001311418.2), dbSNP rs1757518739, ClinGen allele CA359239951.